The following is an entry in ClinVar:

ClinVar aggregate classification (germline): Benign. Review status: criteria provided, multiple submitters, no conflicts (2 of 4 stars). 3 submissions from 3 submitters: Benign (3). Last evaluated 2019-05-28.

Conditions:
Rare genetic deafness. Identifiers: Orphanet 96210, MedGen C5680250.

Allele frequency attached by ClinVar (database versions not stated): gnomAD exomes 0.31720; ExAC 0.33056; gnomAD 0.39865 and 0.40079; TOPMed 0.42917; 1000 Genomes Project 0.45188; 1000 Genomes Project 30x 0.45394.

Submissions (3):

Mendelics
Classification: Benign for Rare genetic deafness. Last evaluated: 2019-05-28. Review status: criteria provided, single submitter. Criteria: Mendelics Assertion Criteria 2017. Collection method: clinical testing. Allele origin: unknown.

GeneDx
Classification: Benign. Last evaluated: 2017-05-09. Review status: criteria provided, single submitter. Criteria: GeneDx Variant Classification (06012015). Collection method: clinical testing. Allele origin: germline. Affected: yes.
Comment: This variant is considered likely benign or benign based on one or more of the following criteria: it is a conservative change, it occurs at a poorly conserved position in the protein, it is predicted to be benign by multiple in silico algorithms, and/or has population frequency not consistent with disease.

Breakthrough Genomics
Classification: Benign. Review status: criteria provided, single submitter. Criteria: ACMG Guidelines, 2015. Collection method: not provided. Allele origin: germline. Inheritance: Unknown mechanism. Affected: yes.

NM_172095.4(CATSPER2):c.1179-3A>C

Gene: CATSPER2 (cation channel sperm associated 2; minus strand). Cytogenetic location: 15q15.3.
Variant type: single nucleotide variant.
Coding change: c.1179-3A>C on transcript NM_172095.4 (MANE Select); 3 bases into the intron before coding-DNA position 1179, A replaced by C.
Molecular consequence: intron variant.
Genome position (GRCh38, 1-based): chr15:43,632,937, T>G on the plus strand (A>C on the coding strand, the complement: CATSPER2 is on the minus strand). VCF-style: chr15-43632937-T-G. GRCh37 (hg19) VCF-style: chr15-43925135-T-G.
Other names: c.1179-9A>C (NM_001282309.3); c.1197-9A>C (NM_001282310.2).
Identifiers: ClinVar variation 517822 (VCV000517822.3), dbSNP rs199882327, ClinGen allele CA7528622.
Genomic context (GRCh38, chr15:43,632,937, plus strand): 5'-TACTTCAGACACTTCTGATAAGTCCAAACTTTCCCTTTGTTGACTAGCTCCTCTTGAACT[T>G]AAAGAAGAAATTTATGGCTTCACAAACATTTACAAGATATGACTAGTCCACTCATTATTC-3'